The following is an entry in ClinVar:

ClinVar aggregate classification (germline): Uncertain significance (1 of 4 stars; one submission).

Conditions:
Inborn genetic diseases. Identifiers: MedGen C0950123, MeSH D030342.

Allele frequency attached by ClinVar (database versions not stated): ESP Exome Variant Server 0.00008.

Submission:

Ambry Genetics
Classification: Uncertain significance for Inborn genetic diseases. Last evaluated: 2023-02-19. Review status: criteria provided, single submitter. Criteria: Ambry Variant Classification Scheme 2023. Collection method: clinical testing. Allele origin: germline.
Comment: The p.H1216Q variant (also known as c.3648C>G), located in coding exon 27 of the LRRK2 gene, results from a C to G substitution at nucleotide position 3648. The histidine at codon 1216 is replaced by glutamine, an amino acid with highly similar properties. This amino acid position is conserved. In addition, this alteration is predicted to be tolerated by in silico analysis. Since supporting evidence is limited at this time, the clinical significance of this alteration remains unclear.

NM_198578.4(LRRK2):c.3648C>G (p.His1216Gln)

Gene: LRRK2 (leucine rich repeat kinase 2; plus strand). Cytogenetic location: 12q12.
Variant type: single nucleotide variant.
Coding change: c.3648C>G on transcript NM_198578.4 (MANE Select); coding-DNA position 3648, C replaced by G.
Protein change: p.His1216Gln; replaces histidine 1216 with glutamine.
Molecular consequence: missense variant.
Genome position (GRCh38, 1-based): chr12:40,304,005, C>G. VCF-style: chr12-40304005-C-G. GRCh37 (hg19) VCF-style: chr12-40697807-C-G.
Other names: short protein forms H1216Q.
Identifiers: ClinVar variation 2489843 (VCV002489843.2), dbSNP rs370495896, ClinGen allele CA235351816.